The following is an entry in ClinVar:

NM_000090.4(COL3A1):c.4276A>G (p.Lys1426Glu)

Gene: COL3A1 (collagen type III alpha 1 chain; plus strand). Cytogenetic location: 2q32.2.
Variant type: single nucleotide variant.
Coding change: c.4276A>G on transcript NM_000090.4 (MANE Select); coding-DNA position 4276, A replaced by G.
Protein change: p.Lys1426Glu; replaces lysine 1426 with glutamic acid.
Molecular consequence: missense variant.
Genome position (GRCh38, 1-based): chr2:189,011,649, A>G. VCF-style: chr2-189011649-A-G. GRCh37 (hg19) VCF-style: chr2-189876375-A-G.
Other names: short protein forms K1426E.
Identifiers: ClinVar variation 495546 (VCV000495546.11), dbSNP rs908421014, ClinGen allele CA62564935.

ClinVar aggregate classification (germline): Uncertain significance. Review status: criteria provided, multiple submitters, no conflicts (2 of 4 stars). 4 submissions from 4 submitters: Uncertain significance (4). Last evaluated 2025-08-29.

Conditions:
Familial thoracic aortic aneurysm and aortic dissection (TAAD). Also called: Thoracic aortic aneurysms and dissections. Identifiers: Orphanet 91387, MedGen C4707243, MONDO:0019625.
Ehlers-Danlos syndrome, type 4 (EDSVASC). Also called: Ehlers-Danlos syndrome vascular type; Ehlers Danlos syndrome, ecchymotic type; Ehlers Danlos syndrome, arterial type; Ehlers Danlos syndrome, Sack-Barabas type; Ehlers-Danlos Syndrome Type IV. Identifiers: Orphanet 286, MedGen C0268338, MONDO:0017314, OMIM 130050.

Allele frequency attached by ClinVar (database versions not stated): gnomAD exomes below 0.00001; gnomAD 0.00001; TOPMed 0.00001.
gnomAD v4.1: 2 of 1,613,916 alleles (0.00012%); highest among the groups gnomAD compares: Non-Finnish European, 0.00017%; no homozygotes.

Submissions (4):

Women's Health and Genetics/Laboratory Corporation of America, LabCorp
Classification: Uncertain significance. Last evaluated: 2025-08-29. Review status: criteria provided, single submitter. Criteria: LabCorp Variant Classification Summary - May 2015. Collection method: clinical testing. Allele origin: germline.
Comment: Variant summary: COL3A1 c.4276A>G (p.Lys1426Glu) results in a conservative amino acid change in the encoded protein sequence. Algorithms developed to predict the effect of missense changes on protein structure and function are either unavailable or do not agree on the potential impact of this missense change. The variant was absent in 251360 control chromosomes (gnomAD). The available data on variant occurrences in the general population are insufficient to allow any conclusion about variant significance. c.4276A>G has been observed in individuals affected with adolescent idiopathic scoliosis (Haller_2015). The report does not provide unequivocal conclusions about association of the variant with Aortopathy. To our knowledge, no experimental evidence demonstrating an impact on protein function has been reported. The following publications have been ascertained in the context of this evaluation (PMID: 26333736, 26566670). ClinVar contains an entry for this variant (Variation ID: 495546). Based on the evidence outlined above, the variant was classified as uncertain significance.

Color Diagnostics, LLC DBA Color Health
Classification: Uncertain significance for Familial thoracic aortic aneurysm and aortic dissection. Last evaluated: 2025-06-11. Review status: criteria provided, single submitter. Criteria: ACMG Guidelines, 2015. Collection method: clinical testing. Allele origin: germline.
Comment: This missense variant replaces lysine with glutamic acid at codon 1426 of the COL3A1 protein. Computational prediction suggests that this variant may not impact protein structure and function. To our knowledge, functional studies have not been reported for this variant. This variant has been reported in an individual affected with adolescent idiopathic scoliosis, who had a Ghent systemic score of 3 (PMID: 26333736). This variant has not been identified in the general population by the Genome Aggregation Database (gnomAD). The available evidence is insufficient to determine the role of this variant in disease conclusively. Therefore, this variant is classified as a Variant of Uncertain Significance.

Labcorp Genetics (formerly Invitae), Labcorp
Classification: Uncertain significance for Ehlers-Danlos syndrome, type 4. Last evaluated: 2024-10-01. Review status: criteria provided, single submitter. Criteria: Invitae Variant Classification Sherloc (09022015). Collection method: clinical testing. Allele origin: germline.
Comment: This sequence change replaces lysine, which is basic and polar, with glutamic acid, which is acidic and polar, at codon 1426 of the COL3A1 protein (p.Lys1426Glu). This variant is not present in population databases (gnomAD no frequency). This missense change has been observed in individual(s) with adolescent idiopathic scoliosis (PMID: 26333736). ClinVar contains an entry for this variant (Variation ID: 495546). Invitae Evidence Modeling of protein sequence and biophysical properties (such as structural, functional, and spatial information, amino acid conservation, physicochemical variation, residue mobility, and thermodynamic stability) indicates that this missense variant is not expected to disrupt COL3A1 protein function with a negative predictive value of 95%. In summary, the available evidence is currently insufficient to determine the role of this variant in disease. Therefore, it has been classified as a Variant of Uncertain Significance.

All of Us Research Program, National Institutes of Health
Classification: Uncertain significance for Ehlers-Danlos syndrome, type 4. Last evaluated: 2023-05-30. Review status: criteria provided, single submitter. Criteria: ACMG Guidelines, 2015. Collection method: clinical testing. Allele origin: germline. Inheritance: Autosomal dominant inheritance. Observed: 1 variant allele, 1 heterozygote.
Comment: This missense variant replaces lysine with glutamic acid at codon 1426 of the COL3A1 protein. Computational prediction suggests that this variant may not impact protein structure and function (internally defined REVEL score threshold <= 0.5, PMID: 27666373). Splice site prediction tools suggest that this variant may not impact RNA splicing. To our knowledge, functional studies have not been performed for this variant. This variant has not been reported in individuals affected with cardiovascular disorders in the literature. This variant has not been identified in the general population by the Genome Aggregation Database (gnomAD). The available evidence is insufficient to determine the role of this variant in disease conclusively. Therefore, this variant is classified as a Variant of Uncertain Significance.

This study involves interpretation of variants in research participants for the purpose of population health screening. Participant phenotype was not available at the time of variant classification. Additional details can be found in publication PMID: 35346344, PMCID: PMC8962531

Literature cited by the submitters: PubMed 26333736 (cited by 3 submitters); PubMed 26566670 (cited by Women's Health and Genetics/Laboratory Corporation of America, LabCorp).